The following is an entry in ClinVar:

NM_000744.7(CHRNA4):c.730C>A (p.Leu244Ile)

Gene: CHRNA4 (cholinergic receptor nicotinic alpha 4 subunit; minus strand). Cytogenetic location: 20q13.33.
Variant type: single nucleotide variant.
Coding change: c.730C>A on transcript NM_000744.7 (MANE Select); coding-DNA position 730, C replaced by A.
Protein change: p.Leu244Ile; replaces leucine 244 with isoleucine.
Molecular consequence: missense variant. On other transcripts: non-coding transcript variant (1).
Genome position (GRCh38, 1-based): chr20:63,350,681, G>T on the plus strand (C>A on the coding strand, the complement: CHRNA4 is on the minus strand). VCF-style: chr20-63350681-G-T. GRCh37 (hg19) VCF-style: chr20-61982033-G-T.
Other names: c.202C>A, p.Leu68Ile (NM_001256573.2); short protein forms L244I, L68I.
Identifiers: ClinVar variation 3638625 (VCV003638625.2).

ClinVar aggregate classification (germline): Uncertain significance (1 of 4 stars; one submission).

Conditions:
Familial sleep-related hypermotor epilepsy. Also called: Autosomal Dominant Sleep-Related Hypermotor (Hyperkinetic) Epilepsy. Identifiers: Orphanet 98784, MedGen C3696898, MONDO:0000030.

Submission:

Labcorp Genetics (formerly Invitae), Labcorp
Classification: Uncertain significance. Last evaluated: 2024-02-03. Review status: criteria provided, single submitter. Criteria: Invitae Variant Classification Sherloc (09022015). Collection method: clinical testing. Allele origin: germline.
Comment: This sequence change replaces leucine, which is neutral and non-polar, with isoleucine, which is neutral and non-polar, at codon 244 of the CHRNA4 protein (p.Leu244Ile). This variant is not present in population databases (gnomAD no frequency). This variant has not been reported in the literature in individuals affected with CHRNA4-related conditions. Advanced modeling of protein sequence and biophysical properties (such as structural, functional, and spatial information, amino acid conservation, physicochemical variation, residue mobility, and thermodynamic stability) performed at Invitae indicates that this missense variant is expected to disrupt CHRNA4 protein function with a positive predictive value of 80%. In summary, the available evidence is currently insufficient to determine the role of this variant in disease. Therefore, it has been classified as a Variant of Uncertain Significance.